The following is an entry in ClinVar:

NM_001271.4(CHD2):c.2849_2855del (p.Ile950fs)

Gene: CHD2 (chromodomain helicase DNA binding protein 2; plus strand). Cytogenetic location: 15q26.1.
Variant type: Deletion.
Coding change: c.2849_2855del on transcript NM_001271.4 (MANE Select); coding-DNA positions 2849 to 2855, 7 bases deleted (TCCTGGA; older notation c.2849_2855delTCCTGGA).
Protein change: p.Ile950fs; shifts the reading frame from isoleucine 950.
Molecular consequence: frameshift variant.
Genome position (GRCh38, 1-based): chr15:92,979,256-92,979,262, TCCTGGA deleted; deleting any 7 consecutive bases within chr15:92,979,254-92,979,262 gives the same sequence; the c. name uses the placement nearest the transcript's 3' end. VCF-style (leftmost placement, unchanged base first): chr15-92979253-CGATCCTG-C. GRCh37 (hg19) VCF-style: chr15-93522483-CGATCCTG-C.
Other names: short protein forms I950fs.
Identifiers: ClinVar variation 2851038 (VCV002851038.3), dbSNP rs2505545635, ClinGen allele CA2739269787.

ClinVar aggregate classification (germline): Pathogenic (1 of 4 stars; one submission).

Conditions:
Developmental and epileptic encephalopathy 94 (DEE94). Also called: CHD2-Related Neurodevelopmental Disorders; Epileptic encephalopathy, childhood-onset. Identifiers: Orphanet 1942, Orphanet 2382, MedGen C3809278, MONDO:0014150, OMIM 615369.

Submission:

Labcorp Genetics (formerly Invitae), Labcorp
Classification: Pathogenic for Developmental and epileptic encephalopathy 94. Last evaluated: 2024-10-17. Review status: criteria provided, single submitter. Criteria: Invitae Variant Classification Sherloc (09022015). Collection method: clinical testing. Allele origin: germline.
Comment: This sequence change creates a premature translational stop signal (p.Ile950Lysfs*17) in the CHD2 gene. It is expected to result in an absent or disrupted protein product. Loss-of-function variants in CHD2 are known to be pathogenic (PMID: 23708187, 24207121). This variant is not present in population databases (gnomAD no frequency). This variant has not been reported in the literature in individuals affected with CHD2-related conditions. For these reasons, this variant has been classified as Pathogenic.

Literature cited by the submitters: PubMed 23708187; PubMed 24207121.